The following is an entry in ClinVar:

ClinVar aggregate classification (germline): Conflicting classifications of pathogenicity. Review status: criteria provided, conflicting classifications (1 of 4 stars). 4 submissions from 4 submitters: Uncertain significance (2); Likely benign (2). Last evaluated 2025-12-26.

Conditions:
Long QT syndrome (LQTS). Identifiers: MedGen C0023976, MeSH D008133, MONDO:0002442. Disease mechanism: loss of function. Inheritance: Various modes of inheritance.
Cardiovascular phenotype. Identifiers: MedGen CN230736.
Cardiac arrhythmia. Also called: Cardiac rhythm disease; Arrhythmia. Identifiers: MedGen C0003811, MONDO:0007263, HP:0011675.

Allele frequency attached by ClinVar (database versions not stated): gnomAD exomes 0.00001.
gnomAD v4.1: 11 of 1,566,784 alleles (0.0007%); highest among the groups gnomAD compares: Non-Finnish European, 0.00095%; no homozygotes.

Submissions (4):

Labcorp Genetics (formerly Invitae), Labcorp
Classification: Likely benign for Long QT syndrome. Last evaluated: 2025-12-26. Review status: criteria provided, single submitter. Criteria: Invitae Variant Classification Sherloc (09022015). Collection method: clinical testing. Allele origin: germline.

Ambry Genetics
Classification: Likely benign for Cardiovascular phenotype. Last evaluated: 2024-06-17. Review status: criteria provided, single submitter. Criteria: Ambry Variant Classification Scheme 2023. Collection method: clinical testing. Allele origin: germline.

All of Us Research Program, National Institutes of Health
Classification: Uncertain significance for Long QT syndrome. Last evaluated: 2024-01-11. Review status: criteria provided, single submitter. Criteria: ACMG Guidelines, 2015. Collection method: clinical testing. Allele origin: germline. Inheritance: Autosomal dominant inheritance. Observed: 2 variant alleles, 2 heterozygotes.
Comment: This variant is located in the KCNQ1 protein. To our knowledge, functional studies have not been reported for this variant. This variant has not been reported in individuals affected with KCNQ1-related disorders in the literature. This variant has not been identified in the general population by the Genome Aggregation Database (gnomAD). The available evidence is insufficient to determine the role of this variant in disease conclusively. Therefore, this variant is classified as a Variant of Uncertain Significance.

This study involves interpretation of variants in research participants for the purpose of population health screening. Participant phenotype was not available at the time of variant classification. Additional details can be found in publication PMID: 35346344, PMCID: PMC8962531

Color Diagnostics, LLC DBA Color Health
Classification: Uncertain significance for Cardiac arrhythmia. Last evaluated: 2023-05-24. Review status: criteria provided, single submitter. Criteria: ACMG Guidelines, 2015. Collection method: clinical testing. Allele origin: germline.
Comment: This variant is located in the KCNQ1 protein. To our knowledge, functional studies have not been reported for this variant. This variant has not been reported in individuals affected with KCNQ1-related disorders in the literature. This variant has not been identified in the general population by the Genome Aggregation Database (gnomAD). The available evidence is insufficient to determine the role of this variant in disease conclusively. Therefore, this variant is classified as a Variant of Uncertain Significance.

NM_000218.3(KCNQ1):c.1611T>C (p.Asp537=)

Gene: KCNQ1 (potassium voltage-gated channel subfamily Q member 1; plus strand). Cytogenetic location: 11p15.5.
Variant type: single nucleotide variant.
Coding change: c.1611T>C on transcript NM_000218.3 (MANE Select); coding-DNA position 1611, T replaced by C.
Protein change: p.Asp537=; no amino-acid change (aspartic acid 537 retained).
Molecular consequence: synonymous variant.
Genome position (GRCh38, 1-based): chr11:2,775,980, T>C. VCF-style: chr11-2775980-T-C. GRCh37 (hg19) VCF-style: chr11-2797210-T-C.
Other names: c.1515T>C, p.Asp505= (NM_001406836.1); c.1341T>C, p.Asp447= (NM_001406837.1); c.1071T>C, p.Asp357= (NM_001406838.1); c.1230T>C, p.Asp410= (NM_181798.2).
Identifiers: ClinVar variation 760281 (VCV000760281.14), dbSNP rs1590081349, ClinGen allele CA472464447.